The following is an entry in ClinVar:

NM_000507.4(FBP1):c.577G>T (p.Glu193Ter)

Gene: FBP1 (fructose-bisphosphatase 1; minus strand). Cytogenetic location: 9q22.32.
Variant type: single nucleotide variant.
Coding change: c.577G>T on transcript NM_000507.4 (MANE Select); coding-DNA position 577, G replaced by T.
Protein change: p.Glu193Ter; replaces glutamic acid 193 with a stop codon.
Molecular consequence: nonsense.
Genome position (GRCh38, 1-based): chr9:94,606,943, C>A on the plus strand (G>T on the coding strand, the complement: FBP1 is on the minus strand). VCF-style: chr9-94606943-C-A. GRCh37 (hg19) VCF-style: chr9-97369225-C-A.
Other names: c.577G>T, p.Glu193Ter (NM_001127628.2); short protein forms E193*.
Identifiers: ClinVar variation 853649 (VCV000853649.7), dbSNP rs1563979243, ClinGen allele CA374107118.
Genomic context (GRCh38, chr9:94,606,943, plus strand): 5'-TAAGGCTGTAGATTTTACCTTTCTTTTTTATCTTCACATCCTTGTCCACCAAAATGAACT[C>A]CCCGATGGCCTTTTTAGACAAGGAAGGAAAGGTGGAGAGATGACGAGCGCACTGGGTCCC-3'

ClinVar aggregate classification (germline): Pathogenic (1 of 4 stars; one submission).

Conditions:
Fructose-biphosphatase deficiency (FBP1D). Also called: Fructose 1,6 Bisphosphatase Deficiency; Fructose-1,6-Bisphosphatase 1 Deficiency; Fructose-1,6-Diphosphatase Deficiency. Identifiers: Orphanet 348, MedGen C0016756, MONDO:0009251, OMIM 229700.

Submission:

Labcorp Genetics (formerly Invitae), Labcorp
Classification: Pathogenic for Fructose-biphosphatase deficiency. Last evaluated: 2023-10-16. Review status: criteria provided, single submitter. Criteria: Invitae Variant Classification Sherloc (09022015). Collection method: clinical testing. Allele origin: germline.
Comment: This sequence change creates a premature translational stop signal (p.Glu193*) in the FBP1 gene. It is expected to result in an absent or disrupted protein product. Loss-of-function variants in FBP1 are known to be pathogenic (PMID: 9382095, 19259699, 27101822). This variant is not present in population databases (gnomAD no frequency). This variant has not been reported in the literature in individuals affected with FBP1-related conditions. ClinVar contains an entry for this variant (Variation ID: 853649). For these reasons, this variant has been classified as Pathogenic.

Literature cited by the submitters: PubMed 9382095; PubMed 19259699; PubMed 27101822.